The following is an entry in ClinVar:

NM_001393504.1(MAST3):c.339G>T (p.Trp113Cys)

Genes: MAST3 (microtubule associated serine/threonine kinase 3; plus strand), LOC126862876 (BRD4-independent group 4 enhancer GRCh37_chr19:18232970-18234169; plus strand). Cytogenetic location: 19p13.11.
Variant type: single nucleotide variant.
Coding change: c.339G>T on transcript NM_001393504.1 (MANE Select); coding-DNA position 339, G replaced by T.
Protein change: p.Trp113Cys; replaces tryptophan 113 with cysteine.
Molecular consequence: missense variant.
Genome position (GRCh38, 1-based): chr19:18,122,691, G>T. VCF-style: chr19-18122691-G-T. GRCh37 (hg19) VCF-style: chr19-18233501-G-T.
Other names: c.363G>T, p.Trp121Cys (NM_001393501.1); c.342G>T, p.Trp114Cys (NM_001393502.1); c.339G>T, p.Trp113Cys (NM_001393503.1); c.336G>T, p.Trp112Cys (NM_001393505.1); c.291G>T, p.Trp97Cys (NM_001393506.1, NM_001393513.1); c.318G>T, p.Trp106Cys (NM_001393507.1); c.273G>T, p.Trp91Cys (NM_001393508.1, NM_001393516.1); c.270G>T, p.Trp90Cys (NM_001393509.1, NM_001393510.1, NM_001393512.1 and 2 more transcripts); and 4 more; short protein forms W112C, W75C, W97C, W113C, W83C, W90C, W91C, W106C.
Identifiers: ClinVar variation 2400692 (VCV002400692.3), dbSNP rs939192292, ClinGen allele CA306160649.

ClinVar aggregate classification (germline): Uncertain significance (1 of 4 stars; one submission).

Conditions:
Inborn genetic diseases. Identifiers: MedGen C0950123, MeSH D030342.

Allele frequency attached by ClinVar (database versions not stated): gnomAD 0.00001; TOPMed 0.00001.

Submission:

Ambry Genetics
Classification: Uncertain significance for Inborn genetic diseases. Last evaluated: 2026-05-20. Review status: criteria provided, single submitter. Criteria: Ambry Variant Classification Scheme 2023. Collection method: clinical testing. Allele origin: germline.
Comment: The c.252G>T (p.W84C) alteration is located in exon 5 (coding exon 5) of the MAST3 gene. This alteration results from a G to T substitution at nucleotide position 252, causing the tryptophan (W) at amino acid position 84 to be replaced by a cysteine (C). Based on data from gnomAD, the T allele has an overall frequency of 0.003% (1/31388) total alleles studied. The highest observed frequency was 0.007% (1/15426) of European (non-Finnish) alleles. Based on insufficient or conflicting evidence, the clinical significance of this alteration remains unclear.